The following is an entry in ClinVar:

ClinVar aggregate classification (germline): Uncertain significance (1 of 4 stars; one submission).

Conditions:
Inborn genetic diseases. Identifiers: MedGen C0950123, MeSH D030342.

Submission:

Ambry Genetics
Classification: Uncertain significance for Inborn genetic diseases. Last evaluated: 2022-06-11. Review status: criteria provided, single submitter. Criteria: Ambry Variant Classification Scheme 2023. Collection method: clinical testing. Allele origin: germline.
Comment: The p.M57L variant (also known as c.169A>T), located in coding exon 3 of the ERCC2 gene, results from an A to T substitution at nucleotide position 169. The methionine at codon 57 is replaced by leucine, an amino acid with highly similar properties. This amino acid position is conserved. In addition, the in silico prediction for this alteration is inconclusive. Since supporting evidence is limited at this time, the clinical significance of this alteration remains unclear.

NM_000400.4(ERCC2):c.169A>T (p.Met57Leu)

Gene: ERCC2 (ERCC excision repair 2, TFIIH core complex helicase subunit; minus strand). Cytogenetic location: 19q13.32.
Variant type: single nucleotide variant.
Coding change: c.169A>T on transcript NM_000400.4 (MANE Select); coding-DNA position 169, A replaced by T.
Protein change: p.Met57Leu; replaces methionine 57 with leucine.
Molecular consequence: missense variant.
Genome position (GRCh38, 1-based): chr19:45,369,084, T>A on the plus strand (A>T on the coding strand, the complement: ERCC2 is on the minus strand). VCF-style: chr19-45369084-T-A. GRCh37 (hg19) VCF-style: chr19-45872342-T-A.
Other names: c.97A>T, p.Met33Leu (NM_001130867.2); short protein forms M57L, M33L.
Identifiers: ClinVar variation 1778305 (VCV001778305.2), dbSNP rs2514045556, ClinGen allele CA406379445.